The following is an entry in ClinVar:

NM_000038.6(APC):c.4752A>C (p.Pro1584=)

Gene: APC (APC regulator of Wnt signaling pathway; plus strand). Cytogenetic location: 5q22.2.
Variant type: single nucleotide variant.
Coding change: c.4752A>C on transcript NM_000038.6 (MANE Select); coding-DNA position 4752, A replaced by C.
Protein change: p.Pro1584=; no amino-acid change (proline 1584 retained).
Molecular consequence: synonymous variant.
Genome position (GRCh38, 1-based): chr5:112,840,346, A>C. VCF-style: chr5-112840346-A-C. GRCh37 (hg19) VCF-style: chr5-112176043-A-C.
Other names: c.3903A>C, p.Pro1301= (NM_001354906.2); c.4752A>C, p.Pro1584= (NM_001127510.3, NM_001354895.2); c.4698A>C, p.Pro1566= (NM_001127511.3); c.4806A>C, p.Pro1602= (NM_001354896.2); c.4782A>C, p.Pro1594= (NM_001354897.2); c.4677A>C, p.Pro1559= (NM_001354898.2); c.4668A>C, p.Pro1556= (NM_001354899.2); c.4629A>C, p.Pro1543= (NM_001354900.2); and 5 more.
Identifiers: ClinVar variation 485102 (VCV000485102.19), dbSNP rs1554086150, ClinGen allele CA446206711.

ClinVar aggregate classification (germline): Benign/Likely benign. Review status: criteria provided, multiple submitters, no conflicts (2 of 4 stars). 6 submissions from 6 submitters: Benign (1); Likely benign (5). Last evaluated 2025-05-23.

Conditions:
Hereditary cancer-predisposing syndrome. Also called: Neoplastic Syndromes, Hereditary; Tumor predisposition; Hereditary Cancer Syndrome; Hereditary neoplastic syndrome. Identifiers: Orphanet 140162, MedGen C0027672, MeSH D009386, MONDO:0015356.
Familial adenomatous polyposis 1 (FAP1). Also called: FAMILIAL ADENOMATOUS POLYPOSIS 1, ATTENUATED; POLYPOSIS, ADENOMATOUS INTESTINAL. Identifiers: MedGen C2713442, MONDO:0021056, OMIM 175100. Disease mechanism: loss of function.
Classic or attenuated familial adenomatous polyposis. Identifiers: MedGen CN372698, MONDO:0021057.

gnomAD v4.1: 1 of 1,614,238 alleles (0.000062%); highest among the groups gnomAD compares: Non-Finnish European, 0.000085%; no homozygotes.

Submissions (6):

Labcorp Genetics (formerly Invitae), Labcorp
Classification: Likely benign for Familial adenomatous polyposis 1. Last evaluated: 2025-05-23. Review status: criteria provided, single submitter. Criteria: Invitae Variant Classification Sherloc (09022015). Collection method: clinical testing. Allele origin: germline.

Myriad Genetics, Inc.
Classification: Benign for Familial adenomatous polyposis 1. Last evaluated: 2024-03-27. Review status: criteria provided, single submitter. Criteria: Myriad Autosomal Dominant, Autosomal Recessive and X-Linked Classification Criteria (2023). Collection method: clinical testing. Allele origin: unknown.
Comment: This variant is considered benign. This variant is a silent/synonymous amino acid change and it is not expected to impact splicing.

All of Us Research Program, National Institutes of Health
Classification: Likely benign for Classic or attenuated familial adenomatous polyposis. Last evaluated: 2023-06-26. Review status: criteria provided, single submitter. Criteria: ACMG Guidelines, 2015. Collection method: clinical testing. Allele origin: germline. Inheritance: Autosomal dominant inheritance. Observed: 1 variant allele, 1 heterozygote.
Comment: This study involves interpretation of variants in research participants for the purpose of population health screening. Participant phenotype was not available at the time of variant classification. Additional details can be found in publication PMID: 35346344, PMCID: PMC8962531

Color Diagnostics, LLC DBA Color Health
Classification: Likely benign for Hereditary cancer-predisposing syndrome. Last evaluated: 2023-06-19. Review status: criteria provided, single submitter. Criteria: ACMG Guidelines, 2015. Collection method: clinical testing. Allele origin: germline.

Sema4
Classification: Likely benign for Hereditary cancer-predisposing syndrome. Last evaluated: 2021-08-02. Review status: criteria provided, single submitter. Criteria: Sema4 Curation Guidelines. Collection method: curation. Allele origin: germline.

Ambry Genetics
Classification: Likely benign for Hereditary cancer-predisposing syndrome. Last evaluated: 2017-05-26. Review status: criteria provided, single submitter. Criteria: Ambry Variant Classification Scheme 2023. Collection method: clinical testing. Allele origin: germline.